The following is an entry in ClinVar:

ClinVar aggregate classification (germline): Uncertain significance (1 of 4 stars; one submission).

Conditions:
Cardiovascular phenotype. Identifiers: MedGen CN230736.

Submission:

Ambry Genetics
Classification: Uncertain significance for Cardiovascular phenotype. Last evaluated: 2023-05-11. Review status: criteria provided, single submitter. Criteria: Ambry Variant Classification Scheme 2023. Collection method: clinical testing. Allele origin: germline.
Comment: The p.E40Q variant (also known as c.118G>C), located in coding exon 1 of the BGN gene, results from a G to C substitution at nucleotide position 118. The glutamic acid at codon 40 is replaced by glutamine, an amino acid with highly similar properties. This amino acid position is conserved. In addition, this alteration is predicted to be tolerated by in silico analysis. Since supporting evidence is limited at this time, the clinical significance of this alteration remains unclear.

NM_001711.6(BGN):c.118G>C (p.Glu40Gln)

Gene: BGN (biglycan; plus strand). Cytogenetic location: Xq28.
Variant type: single nucleotide variant.
Coding change: c.118G>C on transcript NM_001711.6 (MANE Select); coding-DNA position 118, G replaced by C.
Protein change: p.Glu40Gln; replaces glutamic acid 40 with glutamine.
Molecular consequence: missense variant.
Genome position (GRCh38, 1-based): chrX:153,504,749, G>C. VCF-style: chrX-153504749-G-C. GRCh37 (hg19) VCF-style: chrX-152770207-G-C.
Other names: short protein forms E40Q.
Identifiers: ClinVar variation 2564956 (VCV002564956.2), dbSNP rs2521204360, ClinGen allele CA415067971.
Genomic context (GRCh38, chrX:153,504,749, plus strand): 5'-GAGCAGAGAGGCTTCTGGGACTTCACCCTGGACGATGGGCCATTCATGATGAACGATGAG[G>C]AAGCTTCGGGCGCTGACACCTCGGGCGTCCTGGACCCGGACTCTGTCACACCCACCTACA-3'
Protein context (NP_001702.1, residues 30-50): DDGPFMMNDE[Glu40Gln]ASGADTSGVL